The following is an entry in ClinVar:

ClinVar aggregate classification (germline): Conflicting classifications of pathogenicity. Review status: criteria provided, conflicting classifications (1 of 4 stars). 2 submissions from 2 submitters: Uncertain significance (1); Likely benign (1). Last evaluated 2021-07-28.

Conditions:
Hereditary cancer-predisposing syndrome. Also called: Tumor predisposition; Hereditary neoplastic syndrome; Hereditary Cancer Syndrome; Neoplastic Syndromes, Hereditary. Identifiers: Orphanet 140162, MedGen C0027672, MeSH D009386, MONDO:0015356.
Hereditary breast ovarian cancer syndrome. Also called: Hereditary breast and/or ovarian cancer syndrome; Breast and ovarian cancer; Hereditary breast and ovarian cancer syndrome; Hereditary breast and ovarian cancer; Hereditary breast and ovarian cancer syndrome (HBOC); BRCA1- and BRCA2-Associated Hereditary Breast and Ovarian Cancer. Identifiers: Orphanet 145, MedGen C0677776, MeSH D061325, MONDO:0003582. Disease mechanism: loss of function.

Submissions (3):

Labcorp Genetics (formerly Invitae), Labcorp
Classification: Likely benign for Hereditary breast ovarian cancer syndrome. Last evaluated: 2021-07-28. Review status: criteria provided, single submitter. Criteria: Invitae Variant Classification Sherloc (09022015). Collection method: clinical testing. Allele origin: germline.

Ambry Genetics
Classification: Uncertain significance for Hereditary cancer-predisposing syndrome. Last evaluated: 2013-09-13. Review status: criteria provided, single submitter. Criteria: Ambry Autosomal Dominant and X-Linked criteria (10/2015). Collection method: clinical testing. Allele origin: germline. Observed: 1 variant allele.
Comment: The c.-1A>C (also known as 119A>C) variant is located in the 5' untranslated region (5'UTR) of the BRCA1 gene. This alteration results from a A to C substitution one nucleotide upstream of the initiation codon. This variant was not reported in population-based cohorts in the following databases: Database of Single Nucleotide Polymorphisms (dbSNP), NHLBI Exome Sequencing Project (ESP) and 1000 Genomes Project. Based on nucleotide sequence alignment, this position is well conserved in available vertebrate species. Since supporting evidence is limited at this time, the clinical significance of c.-1A>C remains unclear.

Brotman Baty Institute, University of Washington
No classification provided (evidence only). Condition: Breast-ovarian cancer, familial 1. Review status: no classification provided. Collection method: in vitro. Allele origin: not applicable. Functional consequence: functionally_normal. Not counted in ClinVar's aggregate classification.
ClinVar note: "not provided" was previously submitted as the classification for the variant. However, the classification appeared to be based only on an observation of functional data so it was converted to no classification on 2025-07-30.

NM_007294.4(BRCA1):c.-1A>C

Gene: BRCA1 (BRCA1 DNA repair associated; minus strand). Cytogenetic location: 17q21.31.
Variant type: single nucleotide variant.
Coding change: c.-1A>C on transcript NM_007294.4 (MANE Select); 1 bases upstream of the start codon, A replaced by C.
Molecular consequence: 5 prime UTR variant. On other transcripts: intron variant (36).
Genome position (GRCh38, 1-based): chr17:43,124,097, T>G on the plus strand (A>C on the coding strand, the complement: BRCA1 is on the minus strand). VCF-style: chr17-43124097-T-G. GRCh37 (hg19) VCF-style: chr17-41276114-T-G.
Other names: c.-258A>C (NM_001407694.1, NM_001407724.1, NM_001407727.1 and 11 more transcripts); c.-262A>C (NM_001407695.1, NM_001408465.1); c.-403A>C (NM_001407696.1); c.-287A>C (NM_001407697.1, NM_001407846.1, NM_001407920.1); c.-88A>C (NM_001407698.1, NM_001407732.1, NM_001407736.1 and 23 more transcripts); c.-261A>C (NM_001407725.1, NM_001407730.1, NM_001407734.1 and 22 more transcripts); c.-207A>C (NM_001407726.1, NM_001407751.1); c.-265A>C (NM_001407741.1, NM_001407934.1, NM_001408497.1); and 23 more.
Identifiers: ClinVar variation 141194 (VCV000141194.14), dbSNP rs587781565, ClinGen allele CA001331.